The following is an entry in ClinVar:

NM_000465.4(BARD1):c.1395+7G>T

Gene: BARD1 (BRCA1 associated RING domain 1; minus strand). Cytogenetic location: 2q35.
Variant type: single nucleotide variant.
Coding change: c.1395+7G>T on transcript NM_000465.4 (MANE Select); 7 bases into the intron after coding-DNA position 1395, G replaced by T.
Molecular consequence: intron variant.
Genome position (GRCh38, 1-based): chr2:214,769,225, C>A on the plus strand (G>T on the coding strand, the complement: BARD1 is on the minus strand). VCF-style: chr2-214769225-C-A. GRCh37 (hg19) VCF-style: chr2-215633949-C-A.
Other names: c.159-16670G>T (NM_001282548.2); c.1338+7G>T (NM_001282543.2); c.216-16670G>T (NM_001282545.2); c.364+23072G>T (NM_001282549.2).
Identifiers: ClinVar variation 3378521 (VCV003378521.1).

ClinVar aggregate classification (germline): Likely benign (1 of 4 stars; one submission).

Conditions:
Familial cancer of breast. Also called: hereditary breast carcinoma; Hereditary breast cancer; BREAST CANCER, FAMILIAL. Identifiers: Orphanet 227535, MedGen C0346153, MONDO:0016419, OMIM 114480. Disease mechanism: loss of function.

gnomAD v4.1: 1 of 1,606,440 alleles (0.000062%); highest among the groups gnomAD compares: Non-Finnish European, 0.000085%; no homozygotes.

Submission:

Myriad Genetics, Inc.
Classification: Likely benign for Familial cancer of breast. Last evaluated: 2024-07-25. Review status: criteria provided, single submitter. Criteria: Myriad Autosomal Dominant, Autosomal Recessive and X-Linked Classification Criteria (2023). Collection method: clinical testing. Allele origin: unknown.
Comment: This variant is considered likely benign. This variant is intronic and is not expected to impact mRNA splicing.